The following is an entry in ClinVar:

NM_001003694.2(BRPF1):c.3223G>T (p.Gly1075Cys)

Gene: BRPF1 (bromodomain and PHD finger containing 1; plus strand). Cytogenetic location: 3p25.3.
Variant type: single nucleotide variant.
Coding change: c.3223G>T on transcript NM_001003694.2 (MANE Select); coding-DNA position 3223, G replaced by T.
Protein change: p.Gly1075Cys; replaces glycine 1075 with cysteine.
Molecular consequence: missense variant. On other transcripts: non-coding transcript variant (1).
Genome position (GRCh38, 1-based): chr3:9,745,829, G>T. VCF-style: chr3-9745829-G-T. GRCh37 (hg19) VCF-style: chr3-9787513-G-T.
Other names: c.2920G>T, p.Gly974Cys (NM_001319049.2); c.3202G>T, p.Gly1068Cys (NM_001319050.2, NM_001438343.1); c.3220G>T, p.Gly1074Cys (NM_001410704.1); c.3307G>T, p.Gly1103Cys (NM_001437892.1); c.3304G>T, p.Gly1102Cys (NM_001438342.1); c.2938G>T, p.Gly980Cys (NM_001438344.1); c.2935G>T, p.Gly979Cys (NM_001438345.1); c.2917G>T, p.Gly973Cys (NM_001438346.1); and 1 more; short protein forms G1068C, G1069C, G1074C, G1075C, G1102C, G1103C, G973C, G974C.
Identifiers: ClinVar variation 5020438 (VCV005020438.1).
Genomic context (GRCh38, chr3:9,745,829, plus strand): 5'-CCCCCAGCTGCTGATCCACCCCCTCTCCCCCATTCCTGTGAAGTGGTAAGGAAGAGTCTG[G>T]GCCGGGGAGCTGGCTGGCTGTCAGAGGATGAGGACTCCCCGCTGGATGCTCTGGACCTCG-3'
Protein context (NP_001003694.1, residues 1065-1085): VGHSMVRKSL[Gly1075Cys]RGAGWLSEDE

ClinVar aggregate classification (germline): Uncertain significance (1 of 4 stars; one submission).

Submission:

Dasa
Classification: Uncertain significance. Last evaluated: 2026-06-03. Review status: criteria provided, single submitter. Criteria: DASA Assertion Criteria. Collection method: clinical testing. Allele origin: germline.
Comment: NM_001003694.2(BRPF1):c.3223G>T (p.Gly1075Cys) is a missense variant that results in the substitution of glycine with cysteine. This variant is rare in population databases. The currently available literature and clinical evidence are not sufficient to establish a definitive association between this variant and the reported condition. Therefore, this variant is classified as a variant of uncertain significance.